The following is an entry in ClinVar:

NM_001182.5(ALDH7A1):c.1524dup (p.Gly509fs)

Gene: ALDH7A1 (aldehyde dehydrogenase 7 family member A1; minus strand). Cytogenetic location: 5q23.2.
Variant type: Duplication.
Coding change: c.1524dup on transcript NM_001182.5 (MANE Select); coding-DNA position 1524, one base duplicated (T; older notation c.1524dupT).
Protein change: p.Gly509fs; shifts the reading frame from glycine 509.
Molecular consequence: frameshift variant.
Genome position (GRCh38, 1-based): chr5:126,546,365, A duplicated on the plus strand (T on the coding strand, the reverse complement: ALDH7A1 is on the minus strand). VCF-style (leftmost placement, unchanged base first): chr5-126546364-C-CA. GRCh37 (hg19) VCF-style: chr5-125882056-C-CA.
Other names: c.1524dup (NM_001182.4); c.1440dup, p.Gly481fs (NM_001201377.2); c.1332dup, p.Gly445fs (NM_001202404.2); short protein forms G481fs, G445fs, G509fs.
Identifiers: ClinVar variation 2112210 (VCV002112210.5), dbSNP rs2480242791, ClinGen allele CA2578435438.

ClinVar aggregate classification (germline): Pathogenic/Likely pathogenic. Review status: criteria provided, multiple submitters, no conflicts (2 of 4 stars). 2 submissions from 2 submitters: Pathogenic (1); Likely pathogenic (1). Last evaluated 2024-11-25.

Conditions:
Pyridoxine-dependent epilepsy (EPEO4). Also called: Pyridoxine-Dependent Seizures; Pyridoxine-Dependent Epilepsy - ALDH7A1; PYRIDOXINE DEPENDENCY WITH SEIZURES; EPILEPSY, EARLY-ONSET, 4, VITAMIN B6-DEPENDENT. Identifiers: Orphanet 3006, MedGen C1849508, MONDO:0009945, OMIM 266100. Disease mechanism: loss of function.

Submissions (2):

GeneDx
Classification: Likely pathogenic. Last evaluated: 2024-11-25. Review status: criteria provided, single submitter. Criteria: GeneDx Variant Classification Process June 2021. Collection method: clinical testing. Allele origin: germline. Affected: yes.
Comment: Frameshift variant predicted to result in abnormal protein length as the last 31 amino acids are replaced with 2 different amino acids, and other similar variants have been reported in HGMD; Not observed at significant frequency in large population cohorts (gnomAD); Has not been previously published as pathogenic or benign to our knowledge

Labcorp Genetics (formerly Invitae), Labcorp
Classification: Pathogenic for Pyridoxine-dependent epilepsy. Last evaluated: 2024-02-07. Review status: criteria provided, single submitter. Criteria: Invitae Variant Classification Sherloc (09022015). Collection method: clinical testing. Allele origin: germline.
Comment: This sequence change creates a premature translational stop signal (p.Gly509Trpfs*3) in the ALDH7A1 gene. While this is not anticipated to result in nonsense mediated decay, it is expected to disrupt the last 31 amino acid(s) of the ALDH7A1 protein. This variant is not present in population databases (gnomAD no frequency). This variant has not been reported in the literature in individuals affected with ALDH7A1-related conditions. ClinVar contains an entry for this variant (Variation ID: 2112210). This variant disrupts a region of the ALDH7A1 protein in which other variant(s) (p.Arg519Lys) have been determined to be pathogenic (PMID: 23925287). This suggests that this is a clinically significant region of the protein, and that variants that disrupt it are likely to be disease-causing. For these reasons, this variant has been classified as Pathogenic.

Literature cited by the submitters: PubMed 23925287 (cited by Labcorp Genetics (formerly Invitae), Labcorp).